The following is an entry in ClinVar:

ClinVar aggregate classification (germline): Uncertain significance (1 of 4 stars; one submission).

Submission:

GeneDx
Classification: Uncertain significance. Last evaluated: 2020-06-12. Review status: criteria provided, single submitter. Criteria: GeneDx Variant Classification Process June 2021. Collection method: clinical testing. Allele origin: germline. Affected: yes.
Comment: Not observed in large population cohorts (Lek et al., 2016); Frameshift variant predicted to result in protein truncation or nonsense mediated decay in a gene for which loss-of-function is not a known mechanism of disease; Has not been previously published as pathogenic or benign to our knowledge

NM_001387430.1(SH2B1):c.1214_1217del (p.Asp405fs)

Gene: SH2B1 (SH2B adaptor protein 1; plus strand). Cytogenetic location: 16p11.2.
Variant type: Microsatellite.
Coding change: c.1214_1217del on transcript NM_001387430.1 (MANE Select); coding-DNA positions 1214 to 1217, 4 bases deleted (ACAG; older notation c.1214_1217delACAG).
Protein change: p.Asp405fs; shifts the reading frame from aspartic acid 405.
Molecular consequence: frameshift variant.
Genome position (GRCh38, 1-based): chr16:28,869,288-28,869,291, ACAG deleted; deleting any 4 consecutive bases within chr16:28,869,284-28,869,291 gives the same sequence; the c. name uses the placement nearest the transcript's 3' end. VCF-style (leftmost placement, unchanged base first): chr16-28869283-CACAG-C. GRCh37 (hg19) VCF-style: chr16-28880604-CACAG-C.
Other names: c.1214_1217del, p.Asp405fs (NM_001145795.2, NM_001145796.2, NM_001145797.2 and 4 more transcripts); c.206_209del, p.Asp69fs (NM_001308294.2); short protein forms D405fs, D69fs.
Identifiers: ClinVar variation 1312678 (VCV001312678.2), dbSNP rs2152182057, ClinGen allele CA2580613449.